The following is an entry in ClinVar:

ClinVar aggregate classification (germline): Pathogenic (1 of 4 stars; one submission).

Conditions:
Neurofibromatosis, type 1 (NF1). Also called: NEUROFIBROMATOSIS, TYPE I, SOMATIC; VON RECKLINGHAUSEN DISEASE; Peripheral type neurofibromatosis; Neurofibromatosis, type I. Identifiers: Orphanet 636, MedGen C0027831, MONDO:0018975, OMIM 162200. Disease mechanism: loss of function.

Submission:

Labcorp Genetics (formerly Invitae), Labcorp
Classification: Pathogenic for Neurofibromatosis, type 1. Last evaluated: 2025-05-23. Review status: criteria provided, single submitter. Criteria: Invitae Variant Classification Sherloc (09022015). Collection method: clinical testing. Allele origin: germline.
Comment: This sequence change creates a premature translational stop signal (p.Ala306Serfs*9) in the NF1 gene. It is expected to result in an absent or disrupted protein product. Loss-of-function variants in NF1 are known to be pathogenic (PMID: 10712197, 23913538). This variant is not present in population databases (gnomAD no frequency). This variant has not been reported in the literature in individuals affected with NF1-related conditions. For these reasons, this variant has been classified as Pathogenic.

Literature cited by the submitters: PubMed 10712197; PubMed 23913538.

NM_001042492.3(NF1):c.911dup (p.Ala306fs)

Gene: NF1 (neurofibromin 1; plus strand). Cytogenetic location: 17q11.2.
Variant type: Duplication.
Coding change: c.911dup on transcript NM_001042492.3 (MANE Select); coding-DNA position 911, one base duplicated (G; older notation c.911dupG).
Protein change: p.Ala306fs; shifts the reading frame from alanine 306.
Molecular consequence: frameshift variant.
Genome position (GRCh38, 1-based): chr17:31,200,444, G duplicated. VCF-style (leftmost placement, unchanged base first): chr17-31200443-C-CG. GRCh37 (hg19) VCF-style: chr17-29527461-C-CG.
Other names: c.911dup, p.Ala306fs (NM_000267.4, NM_001128147.3); short protein forms A306fs.
Identifiers: ClinVar variation 4720095 (VCV004720095.1).